The following is an entry in ClinVar:

NM_000245.4(MET):c.3131G>A (p.Ser1044Asn)

Gene: MET (MET proto-oncogene, receptor tyrosine kinase; plus strand). Cytogenetic location: 7q31.2.
Variant type: single nucleotide variant.
Coding change: c.3131G>A on transcript NM_000245.4 (MANE Select); coding-DNA position 3131, G replaced by A.
Protein change: p.Ser1044Asn; replaces serine 1044 with asparagine.
Molecular consequence: missense variant.
Genome position (GRCh38, 1-based): chr7:116,774,983, G>A. VCF-style: chr7-116774983-G-A. GRCh37 (hg19) VCF-style: chr7-116415037-G-A.
Other names: c.3185G>A, p.Ser1062Asn (NM_001127500.3); c.1841G>A, p.Ser614Asn (NM_001324402.2); short protein forms S614N, S1044N, S1062N.
Identifiers: ClinVar variation 1728581 (VCV001728581.7), dbSNP rs2117030775, ClinGen allele CA368988257.

ClinVar aggregate classification (germline): Uncertain significance. Review status: criteria provided, multiple submitters, no conflicts (2 of 4 stars). 2 submissions from 2 submitters: Uncertain significance (2). Last evaluated 2021-12-31.

Conditions:
Renal cell carcinoma. Identifiers: Orphanet 217071, MedGen C0007134, MeSH D002292, MONDO:0005086, HP:0005584.
Hereditary cancer-predisposing syndrome. Also called: Tumor predisposition; Neoplastic Syndromes, Hereditary; Hereditary Cancer Syndrome; Hereditary neoplastic syndrome. Identifiers: Orphanet 140162, MedGen C0027672, MeSH D009386, MONDO:0015356.

Allele frequency attached by ClinVar (database versions not stated): gnomAD exomes below 0.00001.
gnomAD v4.1: 1 of 1,614,136 alleles (0.000062%); highest among the groups gnomAD compares: South Asian, 0.0011%; no homozygotes.

Submissions (2):

Labcorp Genetics (formerly Invitae), Labcorp
Classification: Uncertain significance for Renal cell carcinoma. Last evaluated: 2021-12-31. Review status: criteria provided, single submitter. Criteria: Invitae Variant Classification Sherloc (09022015). Collection method: clinical testing. Allele origin: germline.
Comment: This variant has not been reported in the literature in individuals affected with MET-related conditions. In summary, the available evidence is currently insufficient to determine the role of this variant in disease. Therefore, it has been classified as a Variant of Uncertain Significance. Algorithms developed to predict the effect of missense changes on protein structure and function are either unavailable or do not agree on the potential impact of this missense change (SIFT: "Deleterious"; PolyPhen-2: "Possibly Damaging"; Align-GVGD: "Class C0"). This variant is not present in population databases (gnomAD no frequency). This sequence change replaces serine, which is neutral and polar, with asparagine, which is neutral and polar, at codon 1062 of the MET protein (p.Ser1062Asn).

Ambry Genetics
Classification: Uncertain significance for Hereditary cancer-predisposing syndrome. Last evaluated: 2020-03-30. Review status: criteria provided, single submitter. Criteria: Ambry Variant Classification Scheme 2023. Collection method: clinical testing. Allele origin: germline.
Comment: The p.S1062N variant (also known as c.3185G>A), located in coding exon 14 of the MET gene, results from a G to A substitution at nucleotide position 3185. The serine at codon 1062 is replaced by asparagine, an amino acid with highly similar properties. This amino acid position is well conserved in available vertebrate species. In addition, this alteration is predicted to be tolerated by in silico analysis. Since supporting evidence is limited at this time, the clinical significance of this alteration remains unclear.